The following is an entry in ClinVar:

ClinVar aggregate classification (germline): Likely benign. Review status: criteria provided, single submitter (1 of 4 stars). 2 submissions from 2 submitters: Likely benign (1). 1 of the submissions does not count toward it. Last evaluated 2024-04-06.

Conditions:
NOTCH2-related disorder. Also called: NOTCH2-related condition.
Hajdu-Cheney syndrome (HJCYS). Also called: Acroosteolysis dominant type; ACROOSTEOLYSIS WITH OSTEOPOROSIS AND CHANGES IN SKULL AND MANDIBLE; SERPENTINE FIBULA-POLYCYSTIC KIDNEY SYNDROME. Identifiers: Orphanet 955, MedGen C0917715, MONDO:0007057, OMIM 102500.

gnomAD v4.1: 1 of 1,614,222 alleles (0.000062%); no homozygotes.

Submissions (2):

Labcorp Genetics (formerly Invitae), Labcorp
Classification: Likely benign for Hajdu-Cheney syndrome. Last evaluated: 2024-04-06. Review status: criteria provided, single submitter. Criteria: Invitae Variant Classification Sherloc (09022015). Collection method: clinical testing. Allele origin: germline.

PreventionGenetics, part of Exact Sciences
Classification: Likely benign for NOTCH2-related condition. Last evaluated: 2022-10-19. Review status: no assertion criteria provided. Collection method: clinical testing. Allele origin: germline. Not counted in ClinVar's aggregate classification.
Comment: This variant is classified as likely benign based on ACMG/AMP sequence variant interpretation guidelines (Richards et al. 2015 PMID: 25741868, with internal and published modifications).

NM_024408.4(NOTCH2):c.3195T>C (p.Asn1065=)

Gene: NOTCH2 (notch receptor 2; minus strand). Cytogenetic location: 1p12.
Variant type: single nucleotide variant.
Coding change: c.3195T>C on transcript NM_024408.4 (MANE Select); coding-DNA position 3195, T replaced by C.
Protein change: p.Asn1065=; no amino-acid change (asparagine 1065 retained).
Molecular consequence: synonymous variant.
Genome position (GRCh38, 1-based): chr1:119,937,999, A>G on the plus strand (T>C on the coding strand, the complement: NOTCH2 is on the minus strand). VCF-style: chr1-119937999-A-G. GRCh37 (hg19) VCF-style: chr1-120480622-A-G.
Other names: c.3195T>C, p.Asn1065= (NM_001200001.2).
Identifiers: ClinVar variation 3051081 (VCV003051081.4), dbSNP rs2101100148, ClinGen allele CA420016327.